The following is an entry in ClinVar:

NM_000043.6(FAS):c.651+1G>T

Gene: FAS (Fas cell surface death receptor; plus strand). Cytogenetic location: 10q23.31.
Variant type: single nucleotide variant.
Coding change: c.651+1G>T on transcript NM_000043.6 (MANE Select); the canonical splice donor site of the intron after coding-DNA position 651, G replaced by T.
Molecular consequence: splice donor variant. On other transcripts: intron variant (1).
Genome position (GRCh38, 1-based): chr10:89,012,082, G>T. VCF-style: chr10-89012082-G-T. GRCh37 (hg19) VCF-style: chr10-90771839-G-T.
Other names: c.651+1G>T (NM_152872.4); c.569-1261G>T (NM_001320619.2); c.588+1G>T (NM_152871.4); c.696+1G>T (NM_001410956.1).
Identifiers: ClinVar variation 650729 (VCV000650729.7), dbSNP rs1564696849, ClinGen allele CA377509402.

ClinVar aggregate classification (germline): Pathogenic (1 of 4 stars; one submission).

Conditions:
Autoimmune lymphoproliferative syndrome type 1. Also called: AUTOIMMUNE LYMPHOPROLIFERATIVE SYNDROME, TYPE I, AUTOSOMAL DOMINANT. Identifiers: Orphanet 3261, MedGen C2717884, MONDO:0011158, OMIM 601859.

Submission:

Labcorp Genetics (formerly Invitae), Labcorp
Classification: Pathogenic for Autoimmune lymphoproliferative syndrome. Last evaluated: 2024-10-07. Review status: criteria provided, single submitter. Criteria: Invitae Variant Classification Sherloc (09022015). Collection method: clinical testing. Allele origin: germline.
Comment: This sequence change affects a donor splice site in intron 7 of the FAS gene. It is expected to disrupt RNA splicing. Variants that disrupt the donor or acceptor splice site typically lead to a loss of protein function (PMID: 16199547), and loss-of-function variants in FAS are known to be pathogenic (PMID: 10875918, 22237435). This variant is not present in population databases (gnomAD no frequency). Disruption of this splice site has been observed in individuals with autoimmune lymphoproliferative syndrome (PMID: 15459303, 22237435). ClinVar contains an entry for this variant (Variation ID: 650729). Algorithms developed to predict the effect of sequence changes on RNA splicing suggest that this variant may disrupt the consensus splice site. For these reasons, this variant has been classified as Pathogenic.

Literature cited by the submitters: PubMed 16199547; PubMed 10875918; PubMed 22237435; PubMed 15459303.